The following is an entry in ClinVar:

ClinVar aggregate classification (germline): Benign/Likely benign. Review status: criteria provided, multiple submitters, no conflicts (2 of 4 stars). 6 submissions from 6 submitters: Benign (3); Likely benign (3). Last evaluated 2026-02-04.

Conditions:
Ehlers-Danlos syndrome (EDS). Identifiers: Orphanet 98249, MedGen C0013720, MONDO:0020066.
Cardiovascular phenotype. Identifiers: MedGen CN230736.

Allele frequency attached by ClinVar (database versions not stated): gnomAD exomes 0.00294 and 0.00084; gnomAD 0.00086 and 0.00104; 1000 Genomes Project 30x 0.00422; TOPMed 0.00168; ExAC 0.00242; 1000 Genomes Project 0.00399.
gnomAD v4.1: 1,405 of 1,612,812 alleles (0.087%); highest among the groups gnomAD compares: Admixed American, 1.6%; 19 homozygotes.

Submissions (6):

Labcorp Genetics (formerly Invitae), Labcorp
Classification: Benign. Last evaluated: 2026-02-04. Review status: criteria provided, single submitter. Criteria: Invitae Variant Classification Sherloc (09022015). Collection method: clinical testing. Allele origin: germline.

Women's Health and Genetics/Laboratory Corporation of America, LabCorp
Classification: Benign. Last evaluated: 2026-01-22. Review status: criteria provided, single submitter. Criteria: LabCorp Variant Classification Summary - May 2015. Collection method: clinical testing. Allele origin: germline.

Mayo Clinic Laboratories, Mayo Clinic
Classification: Likely benign. Last evaluated: 2025-03-20. Review status: criteria provided, single submitter. Criteria: ACMG Guidelines, 2015. Collection method: clinical testing. Allele origin: germline. Observed: 3 variant alleles.
Comment: BS1, BP4, BP7

GeneDx
Classification: Likely benign. Last evaluated: 2021-02-26. Review status: criteria provided, single submitter. Criteria: GeneDx Variant Classification Process June 2021. Collection method: clinical testing. Allele origin: germline. Affected: yes.

Genome Diagnostics Laboratory, The Hospital for Sick Children
Classification: Likely benign for Ehlers-Danlos syndrome. Last evaluated: 2020-07-22. Review status: criteria provided, single submitter. Criteria: ACMG Guidelines, 2015. Collection method: clinical testing. Allele origin: germline.

Ambry Genetics
Classification: Benign for Cardiovascular phenotype. Last evaluated: 2019-11-25. Review status: criteria provided, single submitter. Criteria: Ambry Variant Classification Scheme 2023. Collection method: clinical testing. Allele origin: germline.

NM_001365276.2(TNXB):c.7866C>T (p.Thr2622=)

Gene: TNXB (tenascin XB; minus strand). Cytogenetic location: 6p21.33.
Variant type: single nucleotide variant.
Coding change: c.7866C>T on transcript NM_001365276.2 (MANE Select); coding-DNA position 7866, C replaced by T.
Protein change: p.Thr2622=; no amino-acid change (threonine 2622 retained).
Molecular consequence: synonymous variant.
Genome position (GRCh38, 1-based): chr6:32,056,863, G>A on the plus strand (C>T on the coding strand, the complement: TNXB is on the minus strand). VCF-style: chr6-32056863-G-A. GRCh37 (hg19) VCF-style: chr6-32024640-G-A.
Other names: p.Thr2622=; c.7866C>T, p.Thr2622= (NM_019105.8).
Identifiers: ClinVar variation 1209333 (VCV001209333.11), dbSNP rs4711284, ClinGen allele CA3734018.